The following is an entry in ClinVar:

NM_007294.4(BRCA1):c.592A>G (p.Ser198Gly)

Gene: BRCA1 (BRCA1 DNA repair associated; minus strand). Cytogenetic location: 17q21.31.
Variant type: single nucleotide variant.
Coding change: c.592A>G on transcript NM_007294.4 (MANE Select); coding-DNA position 592, A replaced by G.
Protein change: p.Ser198Gly; replaces serine 198 with glycine.
Molecular consequence: missense variant. On other transcripts: non-coding transcript variant (1).
Genome position (GRCh38, 1-based): chr17:43,097,245, T>C on the plus strand (A>G on the coding strand, the complement: BRCA1 is on the minus strand). VCF-style: chr17-43097245-T-C. GRCh37 (hg19) VCF-style: chr17-41249262-T-C.
Other names: c.379A>G, p.Ser127Gly (NM_001407571.1, NM_001407853.1, NM_001407894.1 and 12 more transcripts); c.592A>G, p.Ser198Gly (NM_001407581.1, NM_001407582.1, NM_001407583.1 and 59 more transcripts); c.589A>G, p.Ser197Gly (NM_001407587.1, NM_001407590.1, NM_001407591.1 and 41 more transcripts); c.583A>G, p.Ser195Gly (NM_001407646.1, NM_001407647.1, NM_001408408.1); c.514A>G, p.Ser172Gly (NM_001407653.1, NM_001407654.1, NM_001407655.1 and 9 more transcripts); c.511A>G, p.Ser171Gly (NM_001407659.1, NM_001407660.1, NM_001407661.1 and 3 more transcripts); c.451A>G, p.Ser151Gly (NM_001407692.1, NM_001407694.1, NM_001407695.1 and 43 more transcripts); c.448A>G, p.Ser150Gly (NM_001407740.1, NM_001407741.1, NM_001407742.1 and 26 more transcripts); and 4 more; short protein forms S151G, S198G, S172G, S150G, S195G, S197G, S127G, S171G.
Identifiers: ClinVar variation 961241 (VCV000961241.15), dbSNP rs2054176940, ClinGen allele CA10600935.

ClinVar aggregate classification (germline): Conflicting classifications of pathogenicity. Review status: criteria provided, conflicting classifications (1 of 4 stars). 4 submissions from 4 submitters: Uncertain significance (3); Likely benign (1). Last evaluated 2025-03-22.

Conditions:
Breast-ovarian cancer, familial, susceptibility to, 1 (BROVCA1). Also called: BRCA1 Hereditary Breast and Ovarian Cancer; OVARIAN CANCER, SUSCEPTIBILITY TO. Identifiers: Orphanet 145, MedGen C2676676, MONDO:0011450, OMIM 604370. Disease mechanism: loss of function.
Hereditary cancer-predisposing syndrome. Also called: Tumor predisposition; Hereditary Cancer Syndrome; Hereditary neoplastic syndrome; Neoplastic Syndromes, Hereditary. Identifiers: Orphanet 140162, MedGen C0027672, MeSH D009386, MONDO:0015356.
Hereditary breast ovarian cancer syndrome. Also called: Hereditary breast and ovarian cancer syndrome; Hereditary breast and ovarian cancer syndrome (HBOC); Breast and ovarian cancer; Hereditary breast and ovarian cancer; Hereditary breast and/or ovarian cancer syndrome; BRCA1- and BRCA2-Associated Hereditary Breast and Ovarian Cancer. Identifiers: Orphanet 145, MedGen C0677776, MeSH D061325, MONDO:0003582. Disease mechanism: loss of function.
Hereditary cancer. Identifiers: MedGen C1333600.

Submissions (4):

Ambry Genetics
Classification: Uncertain significance for Hereditary cancer-predisposing syndrome. Last evaluated: 2025-03-22. Review status: criteria provided, single submitter. Criteria: Ambry Variant Classification Scheme 2023. Collection method: clinical testing. Allele origin: germline.
Comment: The p.S198G variant (also known as c.592A>G), located in coding exon 7 of the BRCA1 gene, results from an A to G substitution at nucleotide position 592. The serine at codon 198 is replaced by glycine, an amino acid with similar properties. This amino acid position is highly conserved in available vertebrate species. In addition, this alteration is predicted to be deleterious by in silico analysis. Since supporting evidence is limited at this time, the clinical significance of this alteration remains unclear.

Mendelics
Classification: Uncertain significance for Hereditary cancer. Last evaluated: 2025-02-26. Review status: criteria provided, single submitter. Criteria: ACMG Guidelines, 2015. Collection method: clinical testing. Allele origin: unknown.
Comment: The available evidence is insufficient to conclusively determine the role of this variant. Therefore, it is classified as a Variant of Uncertain Significance.

Myriad Genetics, Inc.
Classification: Likely benign for Breast-ovarian cancer, familial, susceptibility to, 1. Last evaluated: 2024-12-11. Review status: criteria provided, single submitter. Criteria: Myriad Autosomal Dominant, Autosomal Recessive and X-Linked Classification Criteria (2023). Collection method: clinical testing. Allele origin: unknown.
Comment: This variant is considered likely benign. This variant is strongly associated with less severe personal and family histories of cancer, typical for individuals without pathogenic variants in this gene [PMID: 25085752].

Labcorp Genetics (formerly Invitae), Labcorp
Classification: Uncertain significance for Hereditary breast ovarian cancer syndrome. Last evaluated: 2022-10-13. Review status: criteria provided, single submitter. Criteria: Invitae Variant Classification Sherloc (09022015). Collection method: clinical testing. Allele origin: germline.
Comment: In summary, the available evidence is currently insufficient to determine the role of this variant in disease. Therefore, it has been classified as a Variant of Uncertain Significance. Algorithms developed to predict the effect of missense changes on protein structure and function are either unavailable or do not agree on the potential impact of this missense change (SIFT: "Tolerated"; PolyPhen-2: "Possibly Damaging"; Align-GVGD: "Class C0"). ClinVar contains an entry for this variant (Variation ID: 961241). This variant has not been reported in the literature in individuals affected with BRCA1-related conditions. This variant is not present in population databases (gnomAD no frequency). This sequence change replaces serine, which is neutral and polar, with glycine, which is neutral and non-polar, at codon 198 of the BRCA1 protein (p.Ser198Gly).

Literature cited by the submitters: PubMed 25085752 (cited by Myriad Genetics, Inc.).